The following is an entry in ClinVar:

ClinVar aggregate classification (germline): Uncertain significance. Review status: criteria provided, multiple submitters, no conflicts (2 of 4 stars). 2 submissions from 2 submitters: Uncertain significance (2). Last evaluated 2023-03-12.

Conditions:
Familial thoracic aortic aneurysm and aortic dissection (TAAD). Also called: Thoracic aortic aneurysms and dissections. Identifiers: Orphanet 91387, MedGen C4707243, MONDO:0019625.
Arterial tortuosity syndrome (ATORS). Identifiers: Orphanet 3342, MedGen C1859726, MONDO:0008818, OMIM 208050.

Submissions (2):

Ambry Genetics
Classification: Uncertain significance for Familial thoracic aortic aneurysm and aortic dissection. Last evaluated: 2023-03-12. Review status: criteria provided, single submitter. Criteria: Ambry Variant Classification Scheme 2023. Collection method: clinical testing. Allele origin: germline.
Comment: The p.I69T variant (also known as c.206T>C), located in coding exon 2 of the SLC2A10 gene, results from a T to C substitution at nucleotide position 206. The isoleucine at codon 69 is replaced by threonine, an amino acid with similar properties. This amino acid position is conserved. In addition, the in silico prediction for this alteration is inconclusive. Since supporting evidence is limited at this time, the clinical significance of this alteration remains unclear.

Labcorp Genetics (formerly Invitae), Labcorp
Classification: Uncertain significance for Arterial tortuosity syndrome. Last evaluated: 2020-07-13. Review status: criteria provided, single submitter. Criteria: Invitae Variant Classification Sherloc (09022015). Collection method: clinical testing. Allele origin: germline.
Comment: In summary, the available evidence is currently insufficient to determine the role of this variant in disease. Therefore, it has been classified as a Variant of Uncertain Significance. Algorithms developed to predict the effect of missense changes on protein structure and function are either unavailable or do not agree on the potential impact of this missense change (SIFT: "Deleterious"; PolyPhen-2: "Benign"; Align-GVGD: "Class C0"). This variant has not been reported in the literature in individuals with SLC2A10-related conditions. This variant is not present in population databases (ExAC no frequency). This sequence change replaces isoleucine with threonine at codon 69 of the SLC2A10 protein (p.Ile69Thr). The isoleucine residue is highly conserved and there is a moderate physicochemical difference between isoleucine and threonine.

NM_030777.4(SLC2A10):c.206T>C (p.Ile69Thr)

Gene: SLC2A10 (solute carrier family 2 member 10; plus strand). Cytogenetic location: 20q13.12.
Variant type: single nucleotide variant.
Coding change: c.206T>C on transcript NM_030777.4 (MANE Select); coding-DNA position 206, T replaced by C.
Protein change: p.Ile69Thr; replaces isoleucine 69 with threonine.
Molecular consequence: missense variant.
Genome position (GRCh38, 1-based): chr20:46,725,242, T>C. VCF-style: chr20-46725242-T-C. GRCh37 (hg19) VCF-style: chr20-45353881-T-C.
Other names: c.206T>C (NM_030777.3); short protein forms I69T.
Identifiers: ClinVar variation 1061319 (VCV001061319.10), dbSNP rs1979816863, ClinGen allele CA409266557.